The following is an entry in ClinVar:

ClinVar aggregate classification (germline): Uncertain significance (1 of 4 stars; one submission).

Conditions:
Cohen syndrome (COH1). Also called: PEPPER SYNDROME; Cutis verticis gyrata, retinitis pigmentosa, and sensorineural deafness. Identifiers: Orphanet 193, MedGen C0265223, MONDO:0008999, OMIM 216550.

Allele frequency attached by ClinVar (database versions not stated): gnomAD exomes 0.00001; TOPMed 0.00001; gnomAD 0.00002.
gnomAD v4.1: 22 of 1,614,050 alleles (0.0014%); highest among the groups gnomAD compares: African/African-American, 0.004%; no homozygotes.

Submission:

Labcorp Genetics (formerly Invitae), Labcorp
Classification: Uncertain significance for Cohen syndrome. Last evaluated: 2022-03-07. Review status: criteria provided, single submitter. Criteria: Invitae Variant Classification Sherloc (09022015). Collection method: clinical testing. Allele origin: germline.
Comment: This sequence change replaces methionine, which is neutral and non-polar, with threonine, which is neutral and polar, at codon 2085 of the VPS13B protein (p.Met2085Thr). This variant is present in population databases (no rsID available, gnomAD 0.004%). This variant has not been reported in the literature in individuals affected with VPS13B-related conditions. Algorithms developed to predict the effect of missense changes on protein structure and function are either unavailable or do not agree on the potential impact of this missense change (SIFT: "Not Available"; PolyPhen-2: "Benign"; Align-GVGD: "Not Available"). In summary, the available evidence is currently insufficient to determine the role of this variant in disease. Therefore, it has been classified as a Variant of Uncertain Significance.

NM_152564.5(VPS13B):c.6179T>C (p.Met2060Thr)

Gene: VPS13B (vacuolar protein sorting 13 homolog B; plus strand). Cytogenetic location: 8q22.2.
Variant type: single nucleotide variant.
Coding change: c.6179T>C on transcript NM_152564.5 (MANE Select); coding-DNA position 6179, T replaced by C.
Protein change: p.Met2060Thr; replaces methionine 2060 with threonine.
Molecular consequence: missense variant.
Genome position (GRCh38, 1-based): chr8:99,699,657, T>C. VCF-style: chr8-99699657-T-C. GRCh37 (hg19) VCF-style: chr8-100711885-T-C.
Other names: c.6254T>C, p.Met2085Thr (NM_017890.5); short protein forms M2085T, M2060T.
Identifiers: ClinVar variation 2160915 (VCV002160915.1), dbSNP rs1332369687, ClinGen allele CA371874484.